The following is an entry in ClinVar:

ClinVar aggregate classification (germline): Likely pathogenic. Review status: criteria provided, multiple submitters, no conflicts (2 of 4 stars). 2 submissions from 2 submitters: Likely pathogenic (2). Last evaluated 2023-10-28.

Conditions:
Cardiovascular phenotype. Identifiers: MedGen CN230736.
Dilated cardiomyopathy 1G (CMD1G). Identifiers: Orphanet 154, MedGen C1858763, MONDO:0011400, OMIM 604145.
Autosomal recessive limb-girdle muscular dystrophy type 2J (LGMDR10). Also called: Limb-girdle muscular dystrophy, type 2J; MUSCULAR DYSTROPHY, LIMB-GIRDLE, AUTOSOMAL RECESSIVE 10. Identifiers: Orphanet 140922, MedGen C1837342, MONDO:0012127, OMIM 608807.

Submissions (2):

Labcorp Genetics (formerly Invitae), Labcorp
Classification: Likely pathogenic for Dilated cardiomyopathy 1G; Autosomal recessive limb-girdle muscular dystrophy type 2J. Last evaluated: 2023-10-28. Review status: criteria provided, single submitter. Criteria: Invitae Variant Classification Sherloc (09022015). Collection method: clinical testing. Allele origin: germline.
Comment: This sequence change creates a premature translational stop signal (p.Val29759Metfs*14) in the TTN gene. While this is not anticipated to result in nonsense mediated decay, it is expected to create a truncated TTN protein. This variant is not present in population databases (gnomAD no frequency). This variant has not been reported in the literature in individuals affected with TTN-related conditions. This variant is located in the A band of TTN (PMID: 25589632). Truncating variants in this region are significantly overrepresented in patients affected with dilated cardiomyopathy (PMID: 25589632). Truncating variants in this region have also been reported in individuals affected with autosomal recessive centronuclear myopathy (PMID: 23975875). In summary, the currently available evidence indicates that the variant is pathogenic, but additional data are needed to prove that conclusively. Therefore, this variant has been classified as Likely Pathogenic.

Ambry Genetics
Classification: Likely pathogenic for Cardiovascular phenotype. Last evaluated: 2023-09-24. Review status: criteria provided, single submitter. Criteria: Ambry Variant Classification Scheme 2023. Collection method: clinical testing. Allele origin: germline.
Comment: The c.62080_62083delGTCT variant, located in coding exon 161 of the TTN gene, results from a deletion of 4 nucleotides at nucleotide positions 62080 to 62083, causing a translational frameshift with a predicted alternate stop codon (p.V20694Mfs*14). This exon is located in the A-band region of the N2-B isoform of the titin protein and is constitutively expressed in TTN transcripts (percent spliced in or PSI 100%). This variant is considered to be rare based on population cohorts in the Genome Aggregation Database (gnomAD). This alteration is expected to result in loss of function by premature protein truncation or nonsense-mediated mRNA decay. While truncating variants in TTN are present in 1-3% of the general population, truncating variants in the A-band are the most common cause of dilated cardiomyopathy (DCM) (Herman DS et al. N. Engl. J. Med., 2012 Feb;366:619-28; Roberts AM et al. Sci Transl Med, 2015 Jan;7:270ra6). TTN truncating variants encoded in constitutive exons (PSI >90%) have been found to be significantly associated with DCM regardless of their position in titin (Schafer S et al. Nat. Genet., 2017 01;49:46-53). Based on the majority of available evidence to date, this variant is likely to be pathogenic.

Literature cited by the submitters: PubMed 25589632 (cited by Labcorp Genetics (formerly Invitae), Labcorp); PubMed 23975875 (cited by Labcorp Genetics (formerly Invitae), Labcorp).

NM_001267550.2(TTN):c.89275_89278del (p.Val29759fs)

Genes: TTN (titin; minus strand), TTN-AS1 (TTN antisense RNA 1; plus strand). Cytogenetic location: 2q31.2.
Variant type: Deletion.
Coding change: c.89275_89278del on transcript NM_001267550.2 (MANE Select); coding-DNA positions 89275 to 89278, 4 bases deleted (GTCT; older notation c.89275_89278delGTCT).
Protein change: p.Val29759fs; shifts the reading frame from valine 29759.
Molecular consequence: frameshift variant.
Genome position (GRCh38, 1-based): chr2:178,553,727-178,553,730, AGAC deleted on the plus strand (GTCT on the coding strand, the reverse complement: TTN is on the minus strand); deleting any 4 consecutive bases within chr2:178,553,727-178,553,732 gives the same sequence; the c. name uses the placement nearest the transcript's 3' end. VCF-style (leftmost placement, unchanged base first): chr2-178553726-TAGAC-T. GRCh37 (hg19) VCF-style: chr2-179418453-TAGAC-T.
Other names: c.62080_62083delGTCT (NM_003319.4); c.84352_84355del, p.Val28118fs (NM_001256850.1); c.62080_62083del, p.Val20694fs (NM_003319.4); c.81571_81574del, p.Val27191fs (NM_133378.4); c.62455_62458del, p.Val20819fs (NM_133432.3); c.62656_62659del, p.Val20886fs (NM_133437.4); short protein forms V20694fs, V20819fs, V29759fs, V20886fs, V27191fs, V28118fs.
Identifiers: ClinVar variation 2941152 (VCV002941152.4), dbSNP rs2469338226, ClinGen allele CA2740096000.